The following is an entry in ClinVar:

ClinVar aggregate classification (germline): Likely benign (0 of 4 stars; one submission).

Conditions:
FBP1-related disorder. Also called: FBP1-related condition.

Submission:

PreventionGenetics, part of Exact Sciences
Classification: Likely benign for FBP1-related condition. Last evaluated: 2024-05-02. Review status: no assertion criteria provided. Collection method: clinical testing. Allele origin: germline.
Comment: This variant is classified as likely benign based on ACMG/AMP sequence variant interpretation guidelines (Richards et al. 2015 PMID: 25741868, with internal and published modifications).

NM_000507.4(FBP1):c.*9C>A

Gene: FBP1 (fructose-bisphosphatase 1; minus strand). Cytogenetic location: 9q22.32.
Variant type: single nucleotide variant.
Coding change: c.*9C>A on transcript NM_000507.4 (MANE Select); 9 bases downstream of the stop codon, C replaced by A.
Molecular consequence: 3 prime UTR variant.
Genome position (GRCh38, 1-based): chr9:94,603,372, G>T on the plus strand (C>A on the coding strand, the complement: FBP1 is on the minus strand). VCF-style: chr9-94603372-G-T. GRCh37 (hg19) VCF-style: chr9-97365654-G-T.
Other names: c.*9C>A (NM_001127628.2).
Identifiers: ClinVar variation 3350642 (VCV003350642.1).